The following is an entry in ClinVar:

NM_001458.5(FLNC):c.1958C>T (p.Pro653Leu)

Gene: FLNC (filamin C; plus strand). Cytogenetic location: 7q32.1.
Variant type: single nucleotide variant.
Coding change: c.1958C>T on transcript NM_001458.5 (MANE Select); coding-DNA position 1958, C replaced by T.
Protein change: p.Pro653Leu; replaces proline 653 with leucine.
Molecular consequence: missense variant.
Genome position (GRCh38, 1-based): chr7:128,841,314, C>T. VCF-style: chr7-128841314-C-T. GRCh37 (hg19) VCF-style: chr7-128481368-C-T.
Other names: c.1958C>T, p.Pro653Leu (NM_001127487.2); short protein forms P653L.
Identifiers: ClinVar variation 1024816 (VCV001024816.7), dbSNP rs1808324139, ClinGen allele CA369227450.

ClinVar aggregate classification (germline): Uncertain significance (1 of 4 stars; one submission).

Conditions:
Distal myopathy with posterior leg and anterior hand involvement. Also called: WILLIAMS DISTAL MYOPATHY. Identifiers: Orphanet 63273, MedGen C3279722, MONDO:0013550, OMIM 614065.
Hypertrophic cardiomyopathy 26. Also called: Cardiomyopathy, familial hypertrophic, 26. Identifiers: Orphanet 75249, MedGen C4310749, MONDO:0014883, OMIM 617047.
Myofibrillar myopathy 5. Also called: FILAMINOPATHY, AUTOSOMAL DOMINANT; Filaminopathy (type). Identifiers: Orphanet 171445, MedGen C1836050, MONDO:0012289, OMIM 609524.

Submission:

Labcorp Genetics (formerly Invitae), Labcorp
Classification: Uncertain significance for Distal myopathy with posterior leg and anterior hand involvement; Myofibrillar myopathy 5; Hypertrophic cardiomyopathy 26. Last evaluated: 2021-10-16. Review status: criteria provided, single submitter. Criteria: Invitae Variant Classification Sherloc (09022015). Collection method: clinical testing. Allele origin: germline.
Comment: Algorithms developed to predict the effect of missense changes on protein structure and function are either unavailable or do not agree on the potential impact of this missense change (SIFT: "Deleterious"; PolyPhen-2: "Probably Damaging"; Align-GVGD: "Class C0"). This sequence change replaces proline with leucine at codon 653 of the FLNC protein (p.Pro653Leu). The proline residue is moderately conserved and there is a moderate physicochemical difference between proline and leucine. This variant is not present in population databases (ExAC no frequency). This variant has not been reported in the literature in individuals affected with FLNC-related conditions. In summary, the available evidence is currently insufficient to determine the role of this variant in disease. Therefore, it has been classified as a Variant of Uncertain Significance.